The following is an entry in ClinVar:

ClinVar aggregate classification (germline): Uncertain significance. Review status: criteria provided, multiple submitters, no conflicts (2 of 4 stars). 2 submissions from 2 submitters: Uncertain significance (2). Last evaluated 2024-12-02.

gnomAD v4.1: 2 of 1,208,813 alleles (0.00017%); highest among the groups gnomAD compares: Non-Finnish European, 0.00022%; no homozygotes.

Submissions (2):

GeneDx
Classification: Uncertain significance. Last evaluated: 2024-12-02. Review status: criteria provided, single submitter. Criteria: GeneDx Variant Classification Process June 2021. Collection method: clinical testing. Allele origin: germline. Affected: yes.
Comment: Not observed at significant frequency in large population cohorts (gnomAD); In silico analysis supports that this missense variant has a deleterious effect on protein structure/function; Has not been previously published as pathogenic or benign to our knowledge

Blueprint Genetics
Classification: Uncertain significance. Last evaluated: 2022-12-27. Review status: criteria provided, single submitter. Criteria: ACMG Guidelines, 2015. Collection method: clinical testing. Allele origin: germline.

NM_001111125.3(IQSEC2):c.1753C>T (p.Arg585Trp)

Gene: IQSEC2 (IQ motif and Sec7 domain ArfGEF 2; minus strand). Cytogenetic location: Xp11.22.
Variant type: single nucleotide variant.
Coding change: c.1753C>T on transcript NM_001111125.3 (MANE Select); coding-DNA position 1753, C replaced by T.
Protein change: p.Arg585Trp; replaces arginine 585 with tryptophan.
Molecular consequence: missense variant.
Genome position (GRCh38, 1-based): chrX:53,250,823, G>A on the plus strand (C>T on the coding strand, the complement: IQSEC2 is on the minus strand). VCF-style: chrX-53250823-G-A. GRCh37 (hg19) VCF-style: chrX-53280005-G-A.
Other names: c.1753C>T, p.Arg585Trp (NM_001410736.1); c.1138C>T, p.Arg380Trp (NM_015075.2); short protein forms R380W, R585W.
Identifiers: ClinVar variation 3901623 (VCV003901623.2).